The following is an entry in ClinVar:

ClinVar aggregate classification (germline): Uncertain significance. Review status: criteria provided, multiple submitters, no conflicts (2 of 4 stars). 4 submissions from 4 submitters: Uncertain significance (4). Last evaluated 2026-09-10.

Conditions:
Autosomal recessive limb-girdle muscular dystrophy type 2J (LGMDR10). Also called: Limb-girdle muscular dystrophy, type 2J; MUSCULAR DYSTROPHY, LIMB-GIRDLE, AUTOSOMAL RECESSIVE 10. Identifiers: Orphanet 140922, MedGen C1837342, MONDO:0012127, OMIM 608807.
Hypertrophic cardiomyopathy 9. Also called: Familial hypertrophic cardiomyopathy 9. Identifiers: MedGen C1861065, MONDO:0013412, OMIM 613765.
Tibial muscular dystrophy (TMD). Also called: UDD MYOPATHY; Udd Distal Myopathy – Tibial Muscular Dystrophy; Tibial muscular dystrophy, tardive. Identifiers: Orphanet 609, MedGen C1838244, MONDO:0010870, OMIM 600334.
Dilated cardiomyopathy 1G (CMD1G). Identifiers: Orphanet 154, MedGen C1858763, MONDO:0011400, OMIM 604145.
Early-onset myopathy with fatal cardiomyopathy (CMYO5). Also called: Salih Myopathy; CONGENITAL MYOPATHY 5 WITH CARDIOMYOPATHY. Identifiers: Orphanet 289377, MedGen C2673677, MONDO:0012714, OMIM 611705. Disease mechanism: loss of function.
Myopathy, myofibrillar, 9, with early respiratory failure (MFM9). Also called: Hereditary myopathy with early respiratory failure; EDSTROM MYOPATHY; MYOPATHY, PROXIMAL, WITH EARLY RESPIRATORY MUSCLE INVOLVEMENT; Myopathy, distal, with early respiratory failure, autosomal dominant. Identifiers: Orphanet 178464, Orphanet 34521, MedGen C1863599, MONDO:0011362, OMIM 603689.

Allele frequency attached by ClinVar (database versions not stated): gnomAD 0.00001; TOPMed 0.00001; gnomAD exomes 0.00002 and 0.00003; ExAC 0.00003.
gnomAD v4.1: 38 of 1,610,120 alleles (0.0024%); highest among the groups gnomAD compares: Non-Finnish European, 0.0031%; no homozygotes.

Submissions (4):

GeneDx
Classification: Uncertain significance. Last evaluated: 2026-09-10. Review status: criteria provided, single submitter. Criteria: GeneDx Variant Classification Process June 2021. Collection method: clinical testing. Allele origin: germline.
Comment: Not observed at significant frequency in large population cohorts (gnomAD); Missense variant in a gene in which most reported pathogenic variants are truncating/loss of function; This variant is associated with the following publications: (PMID: 33820833)

Revvity Omics, Revvity
Classification: Uncertain significance. Last evaluated: 2024-05-13. Review status: criteria provided, single submitter. Criteria: ACMG Guidelines, 2015. Collection method: clinical testing. Allele origin: germline.

Fulgent Genetics
Classification: Uncertain significance for Tibial muscular dystrophy; Myopathy, myofibrillar, 9, with early respiratory failure; Dilated cardiomyopathy 1G; Autosomal recessive limb-girdle muscular dystrophy type 2J; Early-onset myopathy with fatal cardiomyopathy; Hypertrophic cardiomyopathy 9. Last evaluated: 2021-07-22. Review status: criteria provided, single submitter. Criteria: ACMG Guidelines, 2015. Collection method: clinical testing. Allele origin: unknown.

Laboratory for Molecular Medicine, Mass General Brigham Personalized Medicine
Classification: Uncertain significance. Last evaluated: 2012-04-17. Review status: criteria provided, single submitter. Criteria: LMM Criteria. Collection method: clinical testing. Allele origin: germline. Observed: 2 variant alleles.
Comment: The Ser13892Cys variant (TTN) has not been reported in the literature nor previo usly identified by our laboratory. Computational analyses (biochemical amino aci d properties, conservation, AlignGVGD, PolyPhen2, and SIFT) do not provide stron g support for or against an impact to the protein. Additional information is nee ded to fully assess the clinical significance of the Ser13892Cys variant.

NM_001267550.2(TTN):c.49379C>G (p.Ser16460Cys)

Genes: TTN (titin; minus strand), TTN-AS1 (TTN antisense RNA 1; plus strand). Cytogenetic location: 2q31.2.
Variant type: single nucleotide variant.
Coding change: c.49379C>G on transcript NM_001267550.2 (MANE Select); coding-DNA position 49379, C replaced by G.
Protein change: p.Ser16460Cys; replaces serine 16460 with cysteine.
Molecular consequence: missense variant.
Genome position (GRCh38, 1-based): chr2:178,613,904, G>C on the plus strand (C>G on the coding strand, the complement: TTN is on the minus strand). VCF-style: chr2-178613904-G-C. GRCh37 (hg19) VCF-style: chr2-179478631-G-C.
Other names: c.49379C>G (NM_001267550.1); c.44456C>G, p.Ser14819Cys (NM_001256850.1); c.22184C>G, p.Ser7395Cys (NM_003319.4); c.22559C>G, p.Ser7520Cys (NM_133432.3); c.22760C>G, p.Ser7587Cys (NM_133437.4); c.41675C>G, p.Ser13892Cys (NM_133378.4); short protein forms S16460C, S13892C, S7395C, S7520C, S7587C, S14819C.
Identifiers: ClinVar variation 47029 (VCV000047029.9), dbSNP rs397517596, ClinGen allele CA139806.